The following is an entry in ClinVar:

ClinVar aggregate classification (germline): Likely pathogenic (1 of 4 stars; one submission).

Conditions:
Autosomal recessive limb-girdle muscular dystrophy. Identifiers: Orphanet 102015, MedGen C2931907, MONDO:0015152.

Submission:

Myriad Genetics, Inc.
Classification: Likely pathogenic for Autosomal recessive limb-girdle muscular dystrophy. Last evaluated: 2019-12-28. Review status: criteria provided, single submitter. Criteria: Myriad Autosomal Dominant, Autosomal Recessive and X-Linked Classification Criteria (2023). Collection method: clinical testing. Allele origin: unknown.
Comment: NM_003494.3(DYSF):c.3125G>A(W1042*) is expected to be pathogenic in the context of dysferlinopathy. This variant is predicted to lead to an abnormal or absent protein product due to the creation of a premature termination codon in DYSF, a gene where loss-of-function variants are known to be pathogenic. Please note: this variant was assessed in the context of healthy population screening.

NM_001130987.2(DYSF):c.3179G>A (p.Trp1060Ter)

Gene: DYSF (dysferlin; plus strand). Cytogenetic location: 2p13.2.
Variant type: single nucleotide variant.
Coding change: c.3179G>A on transcript NM_001130987.2 (MANE Select); coding-DNA position 3179, G replaced by A.
Protein change: p.Trp1060Ter; replaces tryptophan 1060 with a stop codon.
Molecular consequence: nonsense.
Genome position (GRCh38, 1-based): chr2:71,570,692, G>A. VCF-style: chr2-71570692-G-A. GRCh37 (hg19) VCF-style: chr2-71797822-G-A.
Other names: c.3128G>A, p.Trp1043Ter (NM_001130455.2, NM_001130983.2); c.3083G>A, p.Trp1028Ter (NM_001130976.2, NM_001130977.2); c.3125G>A, p.Trp1042Ter (NM_001130978.2, NM_003494.4); c.3218G>A, p.Trp1073Ter (NM_001130979.2); c.3176G>A, p.Trp1059Ter (NM_001130980.2, NM_001130981.2); c.3221G>A, p.Trp1074Ter (NM_001130982.2); c.3086G>A, p.Trp1029Ter (NM_001130984.2, NM_001130986.2); c.3179G>A, p.Trp1060Ter (NM_001130985.2); short protein forms W1028*, W1029*, W1042*, W1043*, W1059*, W1060*, W1073*, W1074*.
Identifiers: ClinVar variation 983959 (VCV000983959.4), dbSNP rs2092369130, ClinGen allele CA347217073.